The following is an entry in ClinVar:

ClinVar aggregate classification (germline): Uncertain significance (0 of 4 stars; one submission).

Conditions:
MAGEL2-related disorder. Also called: MAGEL2-related condition.

Submission:

PreventionGenetics, part of Exact Sciences
Classification: Uncertain significance for MAGEL2-related condition. Last evaluated: 2024-09-11. Review status: no assertion criteria provided. Collection method: clinical testing. Allele origin: germline.
Comment: The MAGEL2 c.3251A>G variant is predicted to result in the amino acid substitution p.Asn1084Ser. To our knowledge, this variant has not been reported in the literature or in a large population database, indicating this variant is rare. At this time, the clinical significance of this variant is uncertain due to the absence of conclusive functional and genetic evidence.

NM_019066.5(MAGEL2):c.3251A>G (p.Asn1084Ser)

Gene: MAGEL2 (MAGE family member L2; minus strand). Cytogenetic location: 15q11.2.
Variant type: single nucleotide variant.
Coding change: c.3251A>G on transcript NM_019066.5 (MANE Select); coding-DNA position 3251, A replaced by G.
Protein change: p.Asn1084Ser; replaces asparagine 1084 with serine.
Molecular consequence: missense variant.
Genome position (GRCh38, 1-based): chr15:23,644,492, T>C on the plus strand (A>G on the coding strand, the complement: MAGEL2 is on the minus strand). VCF-style: chr15-23644492-T-C. GRCh37 (hg19) VCF-style: chr15-23889639-T-C.
Other names: short protein forms N1084S.
Identifiers: ClinVar variation 3355741 (VCV003355741.1).